The following is an entry in ClinVar:

NM_006431.3(CCT2):c.800T>C (p.Ile267Thr)

Gene: CCT2 (chaperonin containing TCP1 subunit 2; plus strand). Cytogenetic location: 12q15.
Variant type: single nucleotide variant.
Coding change: c.800T>C on transcript NM_006431.3 (MANE Select); coding-DNA position 800, T replaced by C.
Protein change: p.Ile267Thr; replaces isoleucine 267 with threonine.
Molecular consequence: missense variant.
Genome position (GRCh38, 1-based): chr12:69,593,025, T>C. VCF-style: chr12-69593025-T-C. GRCh37 (hg19) VCF-style: chr12-69986805-T-C.
Other names: c.659T>C, p.Ile220Thr (NM_001198842.2); short protein forms I220T, I267T.
Identifiers: ClinVar variation 1469163 (VCV001469163.6), dbSNP rs1175443835, ClinGen allele CA385728371.

ClinVar aggregate classification (germline): Uncertain significance (1 of 4 stars; one submission).

Allele frequency attached by ClinVar (database versions not stated): gnomAD exomes below 0.00001 and 0.00001; gnomAD 0.00001.

Submission:

Labcorp Genetics (formerly Invitae), Labcorp
Classification: Uncertain significance. Last evaluated: 2021-09-21. Review status: criteria provided, single submitter. Criteria: Invitae Variant Classification Sherloc (09022015). Collection method: clinical testing. Allele origin: germline.
Comment: In summary, the available evidence is currently insufficient to determine the role of this variant in disease. Therefore, it has been classified as a Variant of Uncertain Significance. Algorithms developed to predict the effect of missense changes on protein structure and function (SIFT, PolyPhen-2, Align-GVGD) all suggest that this variant is likely to be disruptive. This variant has not been reported in the literature in individuals affected with CCT2-related conditions. This variant is not present in population databases (ExAC no frequency). This sequence change replaces isoleucine with threonine at codon 267 of the CCT2 protein (p.Ile267Thr). The isoleucine residue is moderately conserved and there is a moderate physicochemical difference between isoleucine and threonine.